The following is an entry in ClinVar:

ClinVar aggregate classification (germline): Uncertain significance (1 of 4 stars; one submission).

Conditions:
Ehlers-Danlos syndrome, dermatosparaxis type. Also called: EDS VIIC; Dermatosparaxis; Ehlers-Danlos syndrome, type VII, autosomal recessive. Identifiers: Orphanet 1901, MedGen C2700425, MONDO:0009161, OMIM 225410.

Submission:

Labcorp Genetics (formerly Invitae), Labcorp
Classification: Uncertain significance for Ehlers-Danlos syndrome, dermatosparaxis type. Last evaluated: 2026-02-01. Review status: criteria provided, single submitter. Criteria: Invitae Variant Classification Sherloc (09022015). Collection method: clinical testing. Allele origin: germline.
Comment: This sequence change replaces proline, which is neutral and non-polar, with histidine, which is basic and polar, at codon 964 of the ADAMTS2 protein (p.Pro964His). This variant is not present in population databases (gnomAD no frequency). This variant has not been reported in the literature in individuals affected with ADAMTS2-related conditions. An algorithm developed to predict the effect of missense changes on protein structure and function (PolyPhen-2) suggests that this variant is likely to be disruptive. In summary, the available evidence is currently insufficient to determine the role of this variant in disease. Therefore, it has been classified as a Variant of Uncertain Significance.

NM_014244.5(ADAMTS2):c.2891C>A (p.Pro964His)

Gene: ADAMTS2 (ADAM metallopeptidase with thrombospondin type 1 motif 2; minus strand). Cytogenetic location: 5q35.3.
Variant type: single nucleotide variant.
Coding change: c.2891C>A on transcript NM_014244.5 (MANE Select); coding-DNA position 2891, C replaced by A.
Protein change: p.Pro964His; replaces proline 964 with histidine.
Molecular consequence: missense variant.
Genome position (GRCh38, 1-based): chr5:179,125,040, G>T on the plus strand (C>A on the coding strand, the complement: ADAMTS2 is on the minus strand). VCF-style: chr5-179125040-G-T. GRCh37 (hg19) VCF-style: chr5-178552041-G-T.
Other names: short protein forms P964H.
Identifiers: ClinVar variation 4810594 (VCV004810594.1).